The following is an entry in ClinVar:

NM_015102.5(NPHP4):c.2786G>T (p.Gly929Val)

Gene: NPHP4 (nephrocystin 4; minus strand). Cytogenetic location: 1p36.31.
Variant type: single nucleotide variant.
Coding change: c.2786G>T on transcript NM_015102.5 (MANE Select); coding-DNA position 2786, G replaced by T.
Protein change: p.Gly929Val; replaces glycine 929 with valine.
Molecular consequence: missense variant. On other transcripts: non-coding transcript variant (1).
Genome position (GRCh38, 1-based): chr1:5,877,124, C>A on the plus strand (G>T on the coding strand, the complement: NPHP4 is on the minus strand). VCF-style: chr1-5877124-C-A. GRCh37 (hg19) VCF-style: chr1-5937184-C-A.
Other names: c.1247G>T, p.Gly416Val (NM_001291593.2); c.1250G>T, p.Gly417Val (NM_001291594.2); c.2786G>T (NM_015102.4); short protein forms G416V, G417V, G929V.
Identifiers: ClinVar variation 3921395 (VCV003921395.2).
Genomic context (GRCh38, chr1:5,877,124, plus strand): 5'-AGGACAGTGACAGCTGAACAAACCCTTACCAACACGCTCGTCCCGCGCCGGCCCAAGTCT[C>A]CCCCGGCCTCCTGCAGGCGCACAGACCTCATCCGCTCCAGCTTACGCCTGCGGGTGGCAT-3'
Protein context (NP_055917.1, residues 919-939): MRSVRLQEAG[Gly929Val]DLGRRGTSVL

ClinVar aggregate classification (germline): Uncertain significance. Review status: criteria provided, multiple submitters, no conflicts (2 of 4 stars). 2 submissions from 2 submitters: Uncertain significance (2). Last evaluated 2025-12-21.

Conditions:
NPHP4-related disorder. Also called: NPHP4-related condition; NPHP4-related disorders. Identifiers: MedGen CN239384.
Inborn genetic diseases. Identifiers: MedGen C0950123, MeSH D030342.

gnomAD v4.1: 2 of 1,585,118 alleles (0.00013%); highest among the groups gnomAD compares: Non-Finnish European, 0.00017%; no homozygotes.

Submissions (2):

PreventionGenetics, part of Exact Sciences
Classification: Uncertain significance for NPHP4-related condition. Last evaluated: 2025-12-21. Review status: criteria provided, single submitter. Criteria: ACMG Guidelines, 2015. Collection method: clinical testing. Allele origin: germline.
Comment: The NPHP4 c.2786G>T variant is predicted to result in the amino acid substitution p.Gly929Val. To our knowledge, this variant has not been reported in the literature or in a large population database (gnomAD), indicating this variant is rare. At this time, the clinical significance of this variant is uncertain due to the absence of conclusive functional and genetic evidence.

Ambry Genetics
Classification: Uncertain significance for Inborn genetic diseases. Last evaluated: 2025-05-16. Review status: criteria provided, single submitter. Criteria: Ambry Variant Classification Scheme 2023. Collection method: clinical testing. Allele origin: germline.